The following is an entry in ClinVar:

NC_000004.11:g.(?_107016619)_(107092447_?)del

Gene: TBCK (TBC1 domain containing kinase; minus strand). Cytogenetic location: 4q24.
Variant type: Deletion.
Identifiers: ClinVar variation 1511485 (VCV001511485.6).

ClinVar aggregate classification (germline): Uncertain significance (1 of 4 stars; one submission).

Submission:

Labcorp Genetics (formerly Invitae), Labcorp
Classification: Uncertain significance. Last evaluated: 2023-08-10. Review status: criteria provided, single submitter. Criteria: Invitae Variant Classification Sherloc (09022015). Collection method: clinical testing. Allele origin: germline.
Comment: In summary, the available evidence is currently insufficient to determine the role of this variant in disease. Therefore, it has been classified as a Variant of Uncertain Significance. Experimental studies and prediction algorithms are not available or were not evaluated, and the functional significance of this variant is currently unknown. This variant has not been reported in the literature in individuals affected with TBCK-related conditions. This variant is a gross deletion of the genomic region encompassing exon(s) 23-25 of the TBCK gene. While this deletion is not anticipated to lead to nonsense mediated decay, it is expected to disrupt the C-terminus of the protein.